The following is an entry in ClinVar:

NM_014339.7(IL17RA):c.1086C>T (p.Thr362=)

Genes: IL17RA (interleukin 17 receptor A; plus strand), LOC126863094 (MED14-independent group 3 enhancer GRCh37_chr22:17587847-17589046; plus strand). Cytogenetic location: 22q11.1.
Variant type: single nucleotide variant.
Coding change: c.1086C>T on transcript NM_014339.7 (MANE Select); coding-DNA position 1086, C replaced by T.
Protein change: p.Thr362=; no amino-acid change (threonine 362 retained).
Molecular consequence: synonymous variant.
Genome position (GRCh38, 1-based): chr22:17,107,767, C>T. VCF-style: chr22-17107767-C-T. GRCh37 (hg19) VCF-style: chr22-17588657-C-T.
Other names: c.984C>T, p.Thr328= (NM_001289905.2).
Identifiers: ClinVar variation 899193 (VCV000899193.9), dbSNP rs139716919, ClinGen allele CA10086660.

ClinVar aggregate classification (germline): Conflicting classifications of pathogenicity. Review status: criteria provided, conflicting classifications (1 of 4 stars). 3 submissions from 3 submitters: Uncertain significance (2); Likely benign (1). Last evaluated 2024-11-01.

Conditions:
Immunodeficiency 51 (IMD51). Also called: CANDIDIASIS, FAMILIAL, 5. Identifiers: Orphanet 1334, MedGen C4310803, MONDO:0013500, OMIM 613953.

Allele frequency attached by ClinVar (database versions not stated): 1000 Genomes Project 30x 0.00016; 1000 Genomes Project 0.00020; gnomAD 0.00022 and 0.00024; TOPMed 0.00024; ExAC 0.00026; gnomAD exomes 0.00030 and 0.00056; ESP Exome Variant Server 0.00038.
gnomAD v4.1: 844 of 1,613,088 alleles (0.052%); highest among the groups gnomAD compares: Non-Finnish European, 0.066%; no homozygotes.

Submissions (3):

Blueprint Genetics
Classification: Likely benign. Last evaluated: 2024-11-01. Review status: criteria provided, single submitter. Criteria: ACMG Guidelines, 2015. Collection method: clinical testing. Allele origin: germline.

Labcorp Genetics (formerly Invitae), Labcorp
Classification: Uncertain significance for Immunodeficiency 51. Last evaluated: 2022-10-18. Review status: criteria provided, single submitter. Criteria: Invitae Variant Classification Sherloc (09022015). Collection method: clinical testing. Allele origin: germline.
Comment: This sequence change affects codon 362 of the IL17RA mRNA. It is a 'silent' change, meaning that it does not change the encoded amino acid sequence of the IL17RA protein. It affects a nucleotide within the consensus splice site. This variant is present in population databases (rs139716919, gnomAD 0.05%). This variant has not been reported in the literature in individuals affected with IL17RA-related conditions. ClinVar contains an entry for this variant (Variation ID: 899193). Algorithms developed to predict the effect of sequence changes on RNA splicing suggest that this variant is not likely to affect RNA splicing. In summary, the available evidence is currently insufficient to determine the role of this variant in disease. Therefore, it has been classified as a Variant of Uncertain Significance.

Illumina Laboratory Services, Illumina
Classification: Uncertain significance for Immunodeficiency 51. Last evaluated: 2018-01-13. Review status: criteria provided, single submitter. Criteria: ICSL Variant Classification Criteria 13 December 2019. Collection method: clinical testing. Allele origin: germline.